The following is an entry in ClinVar:

ClinVar aggregate classification (germline): Uncertain significance (1 of 4 stars; one submission).

Conditions:
POLRMT-related disorder. Also called: POLRMT-related condition.

Allele frequency attached by ClinVar (database versions not stated): gnomAD exomes below 0.00001.
gnomAD v4.1: 1 of 1,610,418 alleles (0.000062%); highest among the groups gnomAD compares: Non-Finnish European, 0.000085%; no homozygotes.

Submission:

PreventionGenetics, part of Exact Sciences
Classification: Uncertain significance for POLRMT-related condition. Last evaluated: 2023-07-04. Review status: criteria provided, single submitter. Criteria: ACMG Guidelines, 2015. Collection method: clinical testing. Allele origin: germline.
Comment: The POLRMT c.2501G>A variant is predicted to result in the amino acid substitution p.Gly834Asp. To our knowledge, this variant has not been reported in the literature or in a large population database, indicating this variant is rare. At this time, the clinical significance of this variant is uncertain due to the absence of conclusive functional and genetic evidence.

NM_005035.4(POLRMT):c.2501G>A (p.Gly834Asp)

Gene: POLRMT (RNA polymerase mitochondrial; minus strand). Cytogenetic location: 19p13.3.
Variant type: single nucleotide variant.
Coding change: c.2501G>A on transcript NM_005035.4 (MANE Select); coding-DNA position 2501, G replaced by A.
Protein change: p.Gly834Asp; replaces glycine 834 with aspartic acid.
Molecular consequence: missense variant. On other transcripts: non-coding transcript variant (1).
Genome position (GRCh38, 1-based): chr19:621,197, C>T on the plus strand (G>A on the coding strand, the complement: POLRMT is on the minus strand). VCF-style: chr19-621197-C-T. GRCh37 (hg19) VCF-style: chr19-621197-C-T.
Other names: c.2501G>A, p.Gly834Asp (NM_001407805.1, NM_001407808.1, NM_001407812.1 and 4 more transcripts); c.2492G>A, p.Gly831Asp (NM_001407806.1, NM_001407809.1); c.2489G>A, p.Gly830Asp (NM_001407807.1, NM_001407810.1); c.2459G>A, p.Gly820Asp (NM_001407811.1, NM_001407813.1); c.2276G>A, p.Gly759Asp (NM_001407830.1, NM_001407832.1); c.2177G>A, p.Gly726Asp (NM_001407831.1, NM_001407833.1, NM_001407835.1 and 1 more transcripts); c.2168G>A, p.Gly723Asp (NM_001407834.1); short protein forms G723D, G726D, G759D, G820D, G830D, G831D, G834D.
Identifiers: ClinVar variation 2632362 (VCV002632362.1), dbSNP rs2512501275, ClinGen allele CA402898889.
Genomic context (GRCh38, chr19:621,197, plus strand): 5'-CGCTTCTTCAACCCCGTGAGATTGACCAGGTGGATCTTGAGCCAATCCAGGCCGTGCGGG[C>T]CGAGCGGGCGGCCCTGGGCGAACTCCAGCAGGGCCCGCGCCACGTCGCTGCCCAGGTGGT-3'
Protein context (NP_005026.3, residues 824-844): LLEFAQGRPL[Gly834Asp]PHGLDWLKIH